The following is an entry in ClinVar:

ClinVar aggregate classification (germline): Uncertain significance. Review status: criteria provided, multiple submitters, no conflicts (2 of 4 stars). 3 submissions from 3 submitters: Uncertain significance (3). Last evaluated 2022-06-29.

Conditions:
Congenital stationary night blindness 1F. Also called: Night blindness, congenital stationary (complete), 1F, autosomal recessive. Identifiers: Orphanet 215, MedGen C3554399, MONDO:0014026, OMIM 615058.

Allele frequency attached by ClinVar (database versions not stated): TOPMed 0.00006; gnomAD 0.00002.

Submissions (3):

Blueprint Genetics
Classification: Uncertain significance. Last evaluated: 2022-06-29. Review status: criteria provided, single submitter. Criteria: ACMG Guidelines, 2015. Collection method: clinical testing. Allele origin: germline.

Labcorp Genetics (formerly Invitae), Labcorp
Classification: Uncertain significance. Last evaluated: 2022-05-01. Review status: criteria provided, single submitter. Criteria: Invitae Variant Classification Sherloc (09022015). Collection method: clinical testing. Allele origin: germline.
Comment: This sequence change replaces arginine, which is basic and polar, with histidine, which is basic and polar, at codon 111 of the LRIT3 protein (p.Arg111His). This variant is present in population databases (no rsID available, gnomAD 0.004%). This variant has not been reported in the literature in individuals affected with LRIT3-related conditions. ClinVar contains an entry for this variant (Variation ID: 902557). Algorithms developed to predict the effect of missense changes on protein structure and function are either unavailable or do not agree on the potential impact of this missense change (SIFT: "Deleterious"; PolyPhen-2: "Probably Damaging"; Align-GVGD: "Class C0"). In summary, the available evidence is currently insufficient to determine the role of this variant in disease. Therefore, it has been classified as a Variant of Uncertain Significance.

Illumina Laboratory Services, Illumina
Classification: Uncertain significance for Congenital stationary night blindness 1F. Last evaluated: 2018-01-13. Review status: criteria provided, single submitter. Criteria: ICSL Variant Classification Criteria 13 December 2019. Collection method: clinical testing. Allele origin: germline.

NM_198506.5(LRIT3):c.332G>A (p.Arg111His)

Gene: LRIT3 (leucine rich repeat, Ig-like and transmembrane domains 3; plus strand). Cytogenetic location: 4q25.
Variant type: single nucleotide variant.
Coding change: c.332G>A on transcript NM_198506.5 (MANE Select); coding-DNA position 332, G replaced by A.
Protein change: p.Arg111His; replaces arginine 111 with histidine.
Molecular consequence: missense variant.
Genome position (GRCh38, 1-based): chr4:109,851,719, G>A. VCF-style: chr4-109851719-G-A. GRCh37 (hg19) VCF-style: chr4-110772875-G-A.
Other names: short protein forms R111H.
Identifiers: ClinVar variation 902557 (VCV000902557.6), dbSNP rs867751556, ClinGen allele CA103732042.